The following is an entry in ClinVar:

NM_001033855.3(DCLRE1C):c.1897del (p.Glu633fs)

Gene: DCLRE1C (DNA cross-link repair 1C; minus strand). Cytogenetic location: 10p13.
Variant type: Deletion.
Coding change: c.1897del on transcript NM_001033855.3 (MANE Select); coding-DNA position 1897, one base deleted (G; older notation c.1897delG).
Protein change: p.Glu633fs; shifts the reading frame from glutamic acid 633.
Molecular consequence: frameshift variant. On other transcripts: non-coding transcript variant (3), intron variant (3).
Genome position (GRCh38, 1-based): chr10:14,908,590, C deleted on the plus strand (G on the coding strand, the reverse complement: DCLRE1C is on the minus strand); the first of 2 consecutive C bases (chr10:14,908,590-14,908,591); deleting either gives the same sequence. VCF-style (leftmost placement, unchanged base first): chr10-14908589-TC-T. GRCh37 (hg19) VCF-style: chr10-14950588-TC-T.
Other names: c.1537del, p.Glu513fs (NM_001033857.3, NM_001033858.3, NM_001289077.2 and 1 more transcripts); c.1552del, p.Glu518fs (NM_001289076.2, NM_001289078.2, NM_022487.4); c.1437+115del (NM_001350966.2); c.1782+115del (NM_001350965.2); c.1422+115del (NM_001350967.2); short protein forms E518fs, E633fs, E513fs.
Identifiers: ClinVar variation 960458 (VCV000960458.1), dbSNP rs1834703886, ClinGen allele CA1139661394.

ClinVar aggregate classification (germline): Uncertain significance (1 of 4 stars; one submission).

Conditions:
Severe combined immunodeficiency due to DCLRE1C deficiency (RS-SCID). Also called: SCID, AUTOSOMAL RECESSIVE, T CELL-NEGATIVE, B CELL-NEGATIVE, NK CELL-POSITIVE, WITH SENSITIVITY TO IONIZING RADIATION. Identifiers: Orphanet 275, MedGen C1865371, MONDO:0011225, OMIM 602450.

Submission:

Labcorp Genetics (formerly Invitae), Labcorp
Classification: Uncertain significance for Severe combined immunodeficiency due to DCLRE1C deficiency. Last evaluated: 2019-09-26. Review status: criteria provided, single submitter. Criteria: Invitae Variant Classification Sherloc (09022015). Collection method: clinical testing. Allele origin: germline.
Comment: This sequence change results in a premature translational stop signal in the DCLRE1C gene (p.Glu633Lysfs*5). While this is not anticipated to result in nonsense mediated decay, it is expected to disrupt the last 60 amino acids of the DCLRE1C protein. This variant is not present in population databases (ExAC no frequency). This variant has not been reported in the literature in individuals with DCLRE1C-related conditions. Experimental studies and prediction algorithms are not available or were not evaluated for this variant, and the functional significance of this variant is currently unknown. In summary, the available evidence is currently insufficient to determine the role of this variant in disease. Therefore, it has been classified as a Variant of Uncertain Significance.